The following is an entry in ClinVar:

ClinVar aggregate classification (germline): Pathogenic/Likely pathogenic. Review status: criteria provided, multiple submitters, no conflicts (2 of 4 stars). 2 submissions from 2 submitters: Pathogenic (1); Likely pathogenic (1). Last evaluated 2023-01-17.

Conditions:
Familial cancer of breast. Also called: Hereditary breast cancer; hereditary breast carcinoma; BREAST CANCER, FAMILIAL. Identifiers: Orphanet 227535, MedGen C0346153, MONDO:0016419, OMIM 114480. Disease mechanism: loss of function.
Hereditary cancer-predisposing syndrome. Also called: Hereditary neoplastic syndrome; Neoplastic Syndromes, Hereditary; Tumor predisposition; Hereditary Cancer Syndrome. Identifiers: Orphanet 140162, MedGen C0027672, MeSH D009386, MONDO:0015356.

Submissions (2):

Baylor Genetics
Classification: Likely pathogenic for Familial cancer of breast. Last evaluated: 2023-01-17. Review status: criteria provided, single submitter. Criteria: ACMG Guidelines, 2015. Collection method: clinical testing. Allele origin: unknown.

Ambry Genetics
Classification: Pathogenic for Hereditary cancer-predisposing syndrome. Last evaluated: 2021-11-27. Review status: criteria provided, single submitter. Criteria: Ambry Variant Classification Scheme 2023. Collection method: clinical testing. Allele origin: germline.
Comment: The c.8367_8368delAA pathogenic mutation, located in coding exon 56 of the ATM gene, results from a deletion of two nucleotides at nucleotide positions 8367 to 8368, causing a translational frameshift with a predicted alternate stop codon (p.R2790Ifs*5). This variant is considered to be rare based on population cohorts in the Genome Aggregation Database (gnomAD). This alteration is expected to result in loss of function by premature protein truncation or nonsense-mediated mRNA decay. As such, this alteration is interpreted as a disease-causing mutation.

NM_000051.4(ATM):c.8367_8368del (p.Arg2790fs)

Genes: ATM (ATM serine/threonine kinase; plus strand), C11orf65 (chromosome 11 open reading frame 65; minus strand). Cytogenetic location: 11q22.3.
Variant type: Deletion.
Coding change: c.8367_8368del on transcript NM_000051.4 (MANE Select); coding-DNA positions 8367 to 8368, 2 bases deleted (AA; older notation c.8367_8368delAA).
Protein change: p.Arg2790fs; shifts the reading frame from arginine 2790.
Molecular consequence: frameshift variant. On other transcripts: intron variant (2).
Genome position (GRCh38, 1-based): chr11:108,343,320-108,343,321, AA deleted; deleting any 2 consecutive bases within chr11:108,343,318-108,343,321 gives the same sequence; the c. name uses the placement nearest the transcript's 3' end. VCF-style (leftmost placement, unchanged base first): chr11-108343317-TAA-T. GRCh37 (hg19) VCF-style: chr11-108214044-TAA-T.
Other names: c.8367_8368del, p.Arg2790fs (NM_001351834.2); c.641-34248_641-34247del (NM_001330368.2); c.695-8027_695-8026del (NM_001351110.2); short protein forms R2790fs.
Identifiers: ClinVar variation 1763098 (VCV001763098.3), dbSNP rs2136948975, ClinGen allele CA2580083179.